The following is an entry in ClinVar:

ClinVar aggregate classification (germline): Uncertain significance (1 of 4 stars; one submission).

Conditions:
Hereditary cancer-predisposing syndrome. Also called: Tumor predisposition; Hereditary Cancer Syndrome; Neoplastic Syndromes, Hereditary; Hereditary neoplastic syndrome. Identifiers: Orphanet 140162, MedGen C0027672, MeSH D009386, MONDO:0015356.

Submission:

Ambry Genetics
Classification: Uncertain significance for Hereditary cancer-predisposing syndrome. Last evaluated: 2017-10-07. Review status: criteria provided, single submitter. Criteria: Ambry Variant Classification Scheme 2023. Collection method: clinical testing. Allele origin: germline.
Comment: The p.R965K variant (also known as c.2894G>A), located in coding exon 4 of the MSH6 gene, results from a G to A substitution at nucleotide position 2894. The arginine at codon 965 is replaced by lysine, an amino acid with highly similar properties. This amino acid position is not conserved and lysine is a reference amino acid in several species. In addition, this alteration is predicted to be tolerated by in silico analysis. In addition, the CoDP in silico tool predicts this alteration to have a minor impact on molecular function, with a score of 0.001 (Terui H et al. J. Biomed. Sci. 2013 Apr;20:25). Since supporting evidence is limited at this time, the clinical significance of this alteration remains unclear.

NM_000179.3(MSH6):c.2894G>A (p.Arg965Lys)

Gene: MSH6 (mutS homolog 6; plus strand). Cytogenetic location: 2p16.3.
Variant type: single nucleotide variant.
Coding change: c.2894G>A on transcript NM_000179.3 (MANE Select); coding-DNA position 2894, G replaced by A.
Protein change: p.Arg965Lys; replaces arginine 965 with lysine.
Molecular consequence: missense variant.
Genome position (GRCh38, 1-based): chr2:47,800,877, G>A. VCF-style: chr2-47800877-G-A. GRCh37 (hg19) VCF-style: chr2-48028016-G-A.
Other names: c.2597G>A, p.Arg866Lys (NM_001406830.1, NM_001406797.1, NM_001406801.1 and 10 more transcripts); c.839G>A, p.Arg280Lys (NM_001407362.1); c.2504G>A, p.Arg835Lys (NM_001281492.2); c.1988G>A, p.Arg663Lys (NM_001281493.2, NM_001281494.2, NM_001406811.1 and 6 more transcripts); c.2990G>A, p.Arg997Lys (NM_001406795.1, NM_001406802.1); c.2894G>A, p.Arg965Lys (NM_001406796.1, NM_001406798.1, NM_001406800.1 and 2 more transcripts); c.2369G>A, p.Arg790Lys (NM_001406799.1, NM_001406806.1, NM_001406807.1); c.2816G>A, p.Arg939Lys (NM_001406804.1); and 2 more; short protein forms R835K, R909K, R790K, R939K, R965K, R280K, R866K, R997K.
Identifiers: ClinVar variation 1797339 (VCV001797339.2), dbSNP rs1553414252, ClinGen allele CA346756083.